The following is an entry in ClinVar:

NM_001377.3(DYNC2H1):c.5417A>C (p.Asp1806Ala)

Gene: DYNC2H1 (dynein cytoplasmic 2 heavy chain 1; plus strand). Cytogenetic location: 11q22.3.
Variant type: single nucleotide variant.
Coding change: c.5417A>C on transcript NM_001377.3 (MANE Select); coding-DNA position 5417, A replaced by C.
Protein change: p.Asp1806Ala; replaces aspartic acid 1806 with alanine.
Molecular consequence: missense variant.
Genome position (GRCh38, 1-based): chr11:103,173,164, A>C. VCF-style: chr11-103173164-A-C. GRCh37 (hg19) VCF-style: chr11-103043893-A-C.
Other names: c.5417A>C, p.Asp1806Ala (NM_001080463.2); short protein forms D1806A.
Identifiers: ClinVar variation 1997982 (VCV001997982.4), dbSNP rs2497152130, ClinGen allele CA382242787.

ClinVar aggregate classification (germline): Uncertain significance (1 of 4 stars; one submission).

Conditions:
Jeune thoracic dystrophy. Also called: Jeune syndrome; Infantile thoracic dystrophy; Thoracic pelvic phalangeal dystrophy; Jeune's syndrome; Chondroectodermal dysplasia-like syndrome; Short-rib thoracic dysplasia. Identifiers: Orphanet 474, MedGen C0265275, MONDO:0018770.

Submission:

Labcorp Genetics (formerly Invitae), Labcorp
Classification: Uncertain significance for Jeune thoracic dystrophy. Last evaluated: 2024-08-13. Review status: criteria provided, single submitter. Criteria: Invitae Variant Classification Sherloc (09022015). Collection method: clinical testing. Allele origin: germline.
Comment: This sequence change replaces aspartic acid, which is acidic and polar, with alanine, which is neutral and non-polar, at codon 1806 of the DYNC2H1 protein (p.Asp1806Ala). This variant is not present in population databases (gnomAD no frequency). This variant has not been reported in the literature in individuals affected with DYNC2H1-related conditions. ClinVar contains an entry for this variant (Variation ID: 1997982). Advanced modeling of protein sequence and biophysical properties (such as structural, functional, and spatial information, amino acid conservation, physicochemical variation, residue mobility, and thermodynamic stability) performed at Invitae indicates that this missense variant is expected to disrupt DYNC2H1 protein function with a positive predictive value of 95%. In summary, the available evidence is currently insufficient to determine the role of this variant in disease. Therefore, it has been classified as a Variant of Uncertain Significance.